The following is an entry in ClinVar:

ClinVar aggregate classification (germline): Benign. Review status: criteria provided, multiple submitters, no conflicts (2 of 4 stars). 2 submissions from 2 submitters: Benign (2). Last evaluated 2018-06-14.

Allele frequency attached by ClinVar (database versions not stated): gnomAD exomes 0.13286; gnomAD 0.32306 and 0.32346; 1000 Genomes Project 30x 0.42770; 1000 Genomes Project 0.43610.
gnomAD v4.1: 54,045 of 203,938 alleles (27%); highest among the groups gnomAD compares: African/African-American, 51%; 9,625 homozygotes.

Submissions (2):

GeneDx
Classification: Benign. Last evaluated: 2018-06-14. Review status: criteria provided, single submitter. Criteria: GeneDx Variant Classification (06012015). Collection method: clinical testing. Allele origin: germline. Affected: yes.
Comment: This variant is considered likely benign or benign based on one or more of the following criteria: it is a conservative change, it occurs at a poorly conserved position in the protein, it is predicted to be benign by multiple in silico algorithms, and/or has population frequency not consistent with disease.

Breakthrough Genomics
Classification: Benign. Review status: criteria provided, single submitter. Criteria: ACMG Guidelines, 2015. Collection method: not provided. Allele origin: germline. Inheritance: Autosomal dominant inheritance. Affected: yes.

NM_000141.5(FGFR2):c.2301+1829G>A

Gene: FGFR2 (fibroblast growth factor receptor 2; minus strand). Cytogenetic location: 10q26.13.
Variant type: single nucleotide variant.
Coding change: c.2301+1829G>A on transcript NM_000141.5 (MANE Select); 1829 bases into the intron after coding-DNA position 2301, G replaced by A.
Molecular consequence: intron variant. On other transcripts: 3 prime UTR variant (2).
Genome position (GRCh38, 1-based): chr10:121,481,869, C>T on the plus strand (G>A on the coding strand, the complement: FGFR2 is on the minus strand). VCF-style: chr10-121481869-C-T. GRCh37 (hg19) VCF-style: chr10-123241383-C-T.
Other names: c.*303G>A (NM_001144913.1, NM_001144919.2); c.1965+1829G>A (NM_001144914.1); c.1950+1829G>A (NM_001144918.2); c.1951-1756G>A (NM_001441091.1); c.1956+1829G>A (NM_001441090.1, NM_001144916.2); c.2028+1829G>A (NM_001441089.1); c.2034+1829G>A (NM_023029.3, NM_001144915.2); c.2031+1829G>A (NM_001441088.1); and 5 more.
Identifiers: ClinVar variation 670716 (VCV000670716.2), dbSNP rs1649166, ClinGen allele CA13206483.